The following is an entry in ClinVar:

NM_014112.5(TRPS1):c.3419A>G (p.Tyr1140Cys)

Gene: TRPS1 (transcriptional repressor GATA binding 1; minus strand). Cytogenetic location: 8q23.3.
Variant type: single nucleotide variant.
Coding change: c.3419A>G on transcript NM_014112.5 (MANE Select); coding-DNA position 3419, A replaced by G.
Protein change: p.Tyr1140Cys; replaces tyrosine 1140 with cysteine.
Molecular consequence: missense variant.
Genome position (GRCh38, 1-based): chr8:115,414,489, T>C on the plus strand (A>G on the coding strand, the complement: TRPS1 is on the minus strand). VCF-style: chr8-115414489-T-C. GRCh37 (hg19) VCF-style: chr8-116426717-T-C.
Other names: c.3392A>G, p.Tyr1131Cys (NM_001282902.3); c.3398A>G, p.Tyr1133Cys (NM_001282903.3); c.3380A>G, p.Tyr1127Cys (NM_001330599.2); short protein forms Y1127C, Y1131C, Y1133C, Y1140C.
Identifiers: ClinVar variation 3751950 (VCV003751950.2).
Genomic context (GRCh38, chr8:115,414,489, plus strand): 5'-AAGGTGGGATAAGGCACATAGTTTTGGCAAGGATTTGGTAGGCCAGGCACGTGACTCAAG[T>C]AGTGCGGATTCCCAGGAACGGAGAGCTTATATTTACTCCAGAACCGCAGCCAATCAGCTT-3'
Protein context (NP_054831.2, residues 1130-1150): YKLSVPGNPH[Tyr1140Cys]LSHVPGLPNP

ClinVar aggregate classification (germline): Uncertain significance (1 of 4 stars; one submission).

Conditions:
Trichorhinophalangeal dysplasia type I (TRPS1). Also called: TRICHORHINOPHALANGEAL SYNDROME, TYPE I; TRPS I. Identifiers: Orphanet 77258, MedGen C0432233, MONDO:0008596, OMIM 190350.
Trichorhinophalangeal syndrome, type III (TRPS3). Also called: SUGIO-KAJII SYNDROME. Identifiers: Orphanet 77258, MedGen C1860823, OMIM 190351, MONDO:0008597.

Submission:

Labcorp Genetics (formerly Invitae), Labcorp
Classification: Uncertain significance for Trichorhinophalangeal syndrome, type III; Trichorhinophalangeal dysplasia type I. Last evaluated: 2024-05-13. Review status: criteria provided, single submitter. Criteria: Invitae Variant Classification Sherloc (09022015). Collection method: clinical testing. Allele origin: germline.
Comment: This sequence change replaces tyrosine, which is neutral and polar, with cysteine, which is neutral and slightly polar, at codon 1140 of the TRPS1 protein (p.Tyr1140Cys). This variant is not present in population databases (gnomAD no frequency). This variant has not been reported in the literature in individuals affected with TRPS1-related conditions. Advanced modeling of protein sequence and biophysical properties (such as structural, functional, and spatial information, amino acid conservation, physicochemical variation, residue mobility, and thermodynamic stability) performed at Invitae indicates that this missense variant is expected to disrupt TRPS1 protein function with a positive predictive value of 80%. In summary, the available evidence is currently insufficient to determine the role of this variant in disease. Therefore, it has been classified as a Variant of Uncertain Significance.